The following is an entry in ClinVar:

ClinVar aggregate classification (germline): Uncertain significance. Review status: criteria provided, multiple submitters, no conflicts (2 of 4 stars). 2 submissions from 2 submitters: Uncertain significance (2). Last evaluated 2021-08-09.

Conditions:
Erythrokeratodermia variabilis et progressiva 6. Identifiers: MedGen C5193144, MONDO:0032801, OMIM 618531.
Progressive familial heart block type IB (PFHB1B). Identifiers: Orphanet 871, MedGen C1970298, MONDO:0011474, OMIM 604559.

gnomAD v4.1: 1 of 1,613,916 alleles (0.000062%); highest among the groups gnomAD compares: South Asian, 0.0011%; no homozygotes.

Submissions (2):

Fulgent Genetics
Classification: Uncertain significance for Progressive familial heart block type IB; Erythrokeratodermia variabilis et progressiva 6. Last evaluated: 2021-08-09. Review status: criteria provided, single submitter. Criteria: ACMG Guidelines, 2015. Collection method: clinical testing. Allele origin: unknown.

Labcorp Genetics (formerly Invitae), Labcorp
Classification: Uncertain significance for Progressive familial heart block type IB. Last evaluated: 2019-11-08. Review status: criteria provided, single submitter. Criteria: Invitae Variant Classification Sherloc (09022015). Collection method: clinical testing. Allele origin: germline.
Comment: This sequence change replaces glycine with arginine at codon 917 of the TRPM4 protein (p.Gly917Arg). The glycine residue is highly conserved and there is a moderate physicochemical difference between glycine and arginine. This variant is not present in population databases (ExAC no frequency). This variant has not been reported in the literature in individuals with TRPM4-related conditions. Algorithms developed to predict the effect of missense changes on protein structure and function are either unavailable or do not agree on the potential impact of this missense change (SIFT: "Deleterious"; PolyPhen-2: "Probably Damaging"; Align-GVGD: "Class C0"). In summary, the available evidence is currently insufficient to determine the role of this variant in disease. Therefore, it has been classified as a Variant of Uncertain Significance.

NM_017636.4(TRPM4):c.2749G>C (p.Gly917Arg)

Gene: TRPM4 (transient receptor potential cation channel subfamily M member 4; plus strand). Cytogenetic location: 19q13.33.
Variant type: single nucleotide variant.
Coding change: c.2749G>C on transcript NM_017636.4 (MANE Select); coding-DNA position 2749, G replaced by C.
Protein change: p.Gly917Arg; replaces glycine 917 with arginine.
Molecular consequence: missense variant.
Genome position (GRCh38, 1-based): chr19:49,200,403, G>C. VCF-style: chr19-49200403-G-C. GRCh37 (hg19) VCF-style: chr19-49703660-G-C.
Other names: c.2314G>C, p.Gly772Arg (NM_001195227.2); c.2404G>C, p.Gly802Arg (NM_001321281.2); c.1141G>C, p.Gly381Arg (NM_001321282.2); c.2227G>C, p.Gly743Arg (NM_001321283.2); c.1687G>C, p.Gly563Arg (NM_001321285.2); short protein forms G381R, G563R, G743R, G802R, G772R, G917R.
Identifiers: ClinVar variation 972272 (VCV000972272.10), dbSNP rs745340937, ClinGen allele CA406810571.